The following is an entry in ClinVar:

ClinVar aggregate classification (germline): Pathogenic (1 of 4 stars; one submission).

Conditions:
Generalized juvenile polyposis/juvenile polyposis coli. Also called: Juvenile polyposis coli. Identifiers: Orphanet 329971, MedGen C1868081, MONDO:0008276.

Submission:

Labcorp Genetics (formerly Invitae), Labcorp
Classification: Pathogenic for Juvenile polyposis syndrome. Last evaluated: 2018-11-11. Review status: criteria provided, single submitter. Criteria: Invitae Variant Classification Sherloc (09022015). Collection method: clinical testing. Allele origin: germline.
Comment: A gross deletion of the genomic region encompassing the full coding sequence of the BMPR1A gene has been identified. The boundaries of this event are unknown as the deletion extends beyond the assayed region for this gene and therefore may encompass additional genes. A similar whole gene deletion of BMPR1A has been observed in an individual with juvenile polyposis (PMID: 23399955). Additionally, larger deletions within chromosome 10q have also been reported (PMID: 16685657, 16287957). Loss-of-function variants in BMPR1A are known to be pathogenic (PMID: 11536076, 12417513). For these reasons, this variant has been classified as Pathogenic.

Literature cited by the submitters: PubMed 23399955; PubMed 16685657; PubMed 16287957.

NC_000010.11:g.(?_86755016)_(86923729_?)del

Genes: BMPR1A (bone morphogenetic protein receptor type 1A; plus strand), LOC130004247 (ATAC-STARR-seq lymphoblastoid active region 3697; plus strand), LOC130004245 (ATAC-STARR-seq lymphoblastoid silent region 2573; plus strand), LOC130004246 (ATAC-STARR-seq lymphoblastoid silent region 2574; plus strand). Cytogenetic location: 10q23.2.
Variant type: Deletion.
Identifiers: ClinVar variation 639386 (VCV000639386.1).